The following is an entry in ClinVar:

NM_000316.3(PTH1R):c.1144G>A (p.Val382Ile)

Gene: PTH1R (parathyroid hormone 1 receptor; plus strand). Cytogenetic location: 3p21.31.
Variant type: single nucleotide variant.
Coding change: c.1144G>A on transcript NM_000316.3 (MANE Select); coding-DNA position 1144, G replaced by A.
Protein change: p.Val382Ile; replaces valine 382 with isoleucine.
Molecular consequence: missense variant.
Genome position (GRCh38, 1-based): chr3:46,901,793, G>A. VCF-style: chr3-46901793-G-A. GRCh37 (hg19) VCF-style: chr3-46943283-G-A.
Other names: c.1144G>A, p.Val382Ile (NM_001184744.1); c.1144G>A (NM_000316.2); short protein forms V382I.
Identifiers: ClinVar variation 2707211 (VCV002707211.5), dbSNP rs148778122, ClinGen allele CA2359423.

ClinVar aggregate classification (germline): Conflicting classifications of pathogenicity. Review status: criteria provided, conflicting classifications (1 of 4 stars). 3 submissions from 3 submitters: Uncertain significance (2); Likely benign (1). Last evaluated 2025-12-03.

Conditions:
Inborn genetic diseases. Identifiers: MedGen C0950123, MeSH D030342.
Primary failure of tooth eruption. Also called: DENTAL NONERUPTION; PRIMARY RETENTION OF TEETH; UNERUPTED SECOND PRIMARY MOLAR; POSTERIOR OPENBITE MALOCCLUSION, FAMILIAL. Identifiers: Orphanet 412206, MedGen C1852222, MONDO:0007434, OMIM 125350.
Metaphyseal chondrodysplasia, Jansen type. Also called: Metaphyseal chondrodysplasia Murk Jansen type; PTH1R-Related Jansen Metaphyseal Chondrodysplasia. Identifiers: Orphanet 33067, MedGen C0265295, MONDO:0007982, OMIM 156400.
Eiken syndrome (EKNS). Also called: BONE MODELING DEFECT OF HANDS AND FEET. Identifiers: Orphanet 79106, MedGen C1838779, MONDO:0010803, OMIM 600002.
Chondrodysplasia Blomstrand type (BOCD). Identifiers: Orphanet 50945, MedGen C1859148, MONDO:0008970, OMIM 215045.

Allele frequency attached by ClinVar (database versions not stated): gnomAD 0.00003; ExAC 0.00004; TOPMed 0.00005; ESP Exome Variant Server 0.00015.
gnomAD v4.1: 44 of 1,613,886 alleles (0.0027%); highest among the groups gnomAD compares: Middle Eastern, 0.033%; no homozygotes.

Submissions (3):

Ambry Genetics
Classification: Likely benign for Inborn genetic diseases. Last evaluated: 2025-12-03. Review status: criteria provided, single submitter. Criteria: Ambry Variant Classification Scheme 2023. Collection method: clinical testing. Allele origin: germline.

Labcorp Genetics (formerly Invitae), Labcorp
Classification: Uncertain significance. Last evaluated: 2024-08-21. Review status: criteria provided, single submitter. Criteria: Invitae Variant Classification Sherloc (09022015). Collection method: clinical testing. Allele origin: germline.
Comment: This sequence change replaces valine, which is neutral and non-polar, with isoleucine, which is neutral and non-polar, at codon 382 of the PTH1R protein (p.Val382Ile). This variant is present in population databases (rs148778122, gnomAD 0.01%). This variant has not been reported in the literature in individuals affected with PTH1R-related conditions. Invitae Evidence Modeling of protein sequence and biophysical properties (such as structural, functional, and spatial information, amino acid conservation, physicochemical variation, residue mobility, and thermodynamic stability) indicates that this missense variant is not expected to disrupt PTH1R protein function with a negative predictive value of 80%. In summary, the available evidence is currently insufficient to determine the role of this variant in disease. Therefore, it has been classified as a Variant of Uncertain Significance.

Fulgent Genetics
Classification: Uncertain significance for Primary failure of tooth eruption; Metaphyseal chondrodysplasia, Jansen type; Chondrodysplasia Blomstrand type; Eiken syndrome. Last evaluated: 2024-04-19. Review status: criteria provided, single submitter. Criteria: ACMG Guidelines, 2015. Collection method: clinical testing. Allele origin: germline.